The following is an entry in ClinVar:

NM_000179.3(MSH6):c.3809T>G (p.Met1270Arg)

Gene: MSH6 (mutS homolog 6; plus strand). Cytogenetic location: 2p16.3.
Variant type: single nucleotide variant.
Coding change: c.3809T>G on transcript NM_000179.3 (MANE Select); coding-DNA position 3809, T replaced by G.
Protein change: p.Met1270Arg; replaces methionine 1270 with arginine.
Molecular consequence: missense variant. On other transcripts: non-coding transcript variant (5), intron variant (2).
Genome position (GRCh38, 1-based): chr2:47,806,459, T>G. VCF-style: chr2-47806459-T-G. GRCh37 (hg19) VCF-style: chr2-48033598-T-G.
Other names: c.3419T>G, p.Met1140Arg (NM_001281492.2); c.2903T>G, p.Met968Arg (NM_001281493.2, NM_001281494.2, NM_001406811.1 and 6 more transcripts); c.3905T>G, p.Met1302Arg (NM_001406795.1); c.3809T>G, p.Met1270Arg (NM_001406796.1, NM_001406808.1, NM_001406809.1); c.3512T>G, p.Met1171Arg (NM_001406797.1, NM_001406801.1, NM_001406805.1 and 10 more transcripts); c.3635T>G, p.Met1212Arg (NM_001406798.1); c.3284T>G, p.Met1095Arg (NM_001406799.1, NM_001406806.1, NM_001406807.1); c.2945T>G, p.Met982Arg (NM_001406803.1); and 9 more; short protein forms M1270R, M585R, M968R, M1171R, M1272R, M197R, M1140R, M1214R.
Identifiers: ClinVar variation 2724739 (VCV002724739.5), dbSNP rs777617756, ClinGen allele CA346761225.
Genomic context (GRCh38, chr2:47,806,459, plus strand): 5'-AGAGGGCACTTCTCTTGCTAGCACATGTATCGCTAATATTTTTCTTTCTTAAGGCATGCA[T>G]GGTAGAAAATGAATGTGAAGACCCCAGCCAGGAGACTATTACGTTCCTCTATAAATTCAT-3'
Protein context (NP_000170.1, residues 1260-1280): VAVRLGHMAC[Met1270Arg]VENECEDPSQ

ClinVar aggregate classification (germline): Uncertain significance. Review status: criteria provided, multiple submitters, no conflicts (2 of 4 stars). 3 submissions from 3 submitters: Uncertain significance (3). Last evaluated 2026-07-06.

Conditions:
Hereditary cancer-predisposing syndrome. Also called: Hereditary Cancer Syndrome; Hereditary neoplastic syndrome; Neoplastic Syndromes, Hereditary; Tumor predisposition. Identifiers: Orphanet 140162, MedGen C0027672, MeSH D009386, MONDO:0015356.
Hereditary nonpolyposis colorectal neoplasms. Identifiers: MedGen C0009405, MeSH D003123.

Submissions (3):

Ambry Genetics
Classification: Uncertain significance for Hereditary cancer-predisposing syndrome. Last evaluated: 2026-07-06. Review status: criteria provided, single submitter. Criteria: Ambry Variant Classification Scheme 2023. Collection method: clinical testing. Allele origin: germline.
Comment: The p.M1270R variant (also known as c.3809T>G), located in coding exon 9 of the MSH6 gene, results from a T to G substitution at nucleotide position 3809. The methionine at codon 1270 is replaced by arginine, an amino acid with similar properties. This amino acid position is conserved. In addition, this alteration is predicted to be deleterious by in silico analysis. Based on the available evidence, the clinical significance of this variant remains unclear.

GeneDx
Classification: Uncertain significance. Last evaluated: 2023-12-04. Review status: criteria provided, single submitter. Criteria: GeneDx Variant Classification Process June 2021. Collection method: clinical testing. Allele origin: germline. Affected: yes.
Comment: Not observed at significant frequency in large population cohorts (gnomAD); In silico analysis supports that this missense variant has a deleterious effect on protein structure/function; In silico analysis supports a deleterious effect on splicing; Has not been previously published as pathogenic or benign to our knowledge; This variant is associated with the following publications: (PMID: 17531815, 21120944)

Labcorp Genetics (formerly Invitae), Labcorp
Classification: Uncertain significance for Hereditary nonpolyposis colorectal neoplasms. Last evaluated: 2023-08-10. Review status: criteria provided, single submitter. Criteria: Invitae Variant Classification Sherloc (09022015). Collection method: clinical testing. Allele origin: germline.
Comment: In summary, the available evidence is currently insufficient to determine the role of this variant in disease. Therefore, it has been classified as a Variant of Uncertain Significance. Algorithms developed to predict the effect of sequence changes on RNA splicing suggest that this variant may create or strengthen a splice site. Advanced modeling of protein sequence and biophysical properties (such as structural, functional, and spatial information, amino acid conservation, physicochemical variation, residue mobility, and thermodynamic stability) performed at Invitae indicates that this missense variant is not expected to disrupt MSH6 protein function. This variant has not been reported in the literature in individuals affected with MSH6-related conditions. This variant is not present in population databases (gnomAD no frequency). This sequence change replaces methionine, which is neutral and non-polar, with arginine, which is basic and polar, at codon 1270 of the MSH6 protein (p.Met1270Arg).